The following is an entry in ClinVar:

NM_138694.4(PKHD1):c.5236+2T>C

Genes: PKHD1 (PKHD1 ciliary IPT domain containing fibrocystin/polyductin; minus strand), LOC126859690 (MED14-independent group 3 enhancer GRCh37_chr6:51888848-51890047; plus strand). Cytogenetic location: 6p12.2.
Variant type: single nucleotide variant.
Coding change: c.5236+2T>C on transcript NM_138694.4 (MANE Select); the canonical splice donor site of the intron after coding-DNA position 5236, T replaced by C.
Molecular consequence: splice donor variant.
Genome position (GRCh38, 1-based): chr6:52,024,572, A>G on the plus strand (T>C on the coding strand, the complement: PKHD1 is on the minus strand). VCF-style: chr6-52024572-A-G. GRCh37 (hg19) VCF-style: chr6-51889370-A-G.
Other names: c.5236+2T>C (NM_170724.3, NM_138694.3).
Identifiers: ClinVar variation 2097029 (VCV002097029.5), dbSNP rs2532683467, ClinGen allele CA364427983.

ClinVar aggregate classification (germline): Likely pathogenic. Review status: criteria provided, multiple submitters, no conflicts (2 of 4 stars). 2 submissions from 2 submitters: Likely pathogenic (2). Last evaluated 2024-08-13.

Conditions:
Autosomal recessive polycystic kidney disease (ARPKD). Also called: AR polycystic kidney disease. Identifiers: Orphanet 731, Orphanet 8378, MedGen C0085548, MeSH D017044, MONDO:0009889.

Submissions (2):

Natera, Inc.
Classification: Likely pathogenic for Autosomal recessive polycystic kidney disease. Last evaluated: 2024-08-13. Review status: criteria provided, single submitter. Criteria: Natera Variant Classification Schema (03/2026). Collection method: clinical testing. Allele origin: germline.
Comment: The c.5236+2T>C variant in PKHD1 is a canonical splice donor site variant predicted to affect pre-mRNA splicing, which may result in an abnormal transcript and altered protein product. This variant is expected to result in nonsense mediated decay, truncation, or a dysfunctional protein product. This variant is rare in the general population with a frequency below the threshold expected for the associated phenotype(s). Given the available evidence, this variant is classified as Likely Pathogenic.

Labcorp Genetics (formerly Invitae), Labcorp
Classification: Likely pathogenic for Autosomal recessive polycystic kidney disease. Last evaluated: 2022-02-11. Review status: criteria provided, single submitter. Criteria: Invitae Variant Classification Sherloc (09022015). Collection method: clinical testing. Allele origin: germline.
Comment: In summary, the currently available evidence indicates that the variant is pathogenic, but additional data are needed to prove that conclusively. Therefore, this variant has been classified as Likely Pathogenic. Algorithms developed to predict the effect of sequence changes on RNA splicing suggest that this variant may disrupt the consensus splice site. This variant has not been reported in the literature in individuals affected with PKHD1-related conditions. This variant is not present in population databases (gnomAD no frequency). This sequence change affects a donor splice site in intron 32 of the PKHD1 gene. It is expected to disrupt RNA splicing. Variants that disrupt the donor or acceptor splice site typically lead to a loss of protein function (PMID: 16199547), and loss-of-function variants in PKHD1 are known to be pathogenic (PMID: 19940839).

Literature cited by the submitters: PubMed 16199547 (cited by Labcorp Genetics (formerly Invitae), Labcorp); PubMed 19940839 (cited by Labcorp Genetics (formerly Invitae), Labcorp).